The following is an entry in ClinVar:

ClinVar aggregate classification (germline): Uncertain significance (1 of 4 stars; one submission).

Conditions:
Non-acquired combined pituitary hormone deficiency with spine abnormalities (CPHD3). Also called: Winkelman Bethge Pfeiffer syndrome; WBP syndrome; Combined pituitary hormone deficiency type 3. Identifiers: Orphanet 231720, MedGen C3489787, MONDO:0009091, OMIM 221750.

gnomAD v4.1: 3 of 1,579,422 alleles (0.00019%); highest among the groups gnomAD compares: South Asian, 0.0011%; no homozygotes.

Submission:

Diagnostics Services (NGS), CSIR - Centre For Cellular And Molecular Biology
Classification: Uncertain significance for Non-acquired combined pituitary hormone deficiency with spine abnormalities. Last evaluated: 2025-05-14. Review status: criteria provided, single submitter. Criteria: ACMG Guidelines, 2015. Collection method: clinical testing. Allele origin: germline. Affected: yes. Observed: 1 variant allele, 1 homozygote.
Comment: The c.482G>A variant is not present in publicly available population databases like 1000 Genomes, EVS, gnomAD, Indian Exome Database or our internal database. This variant has neither been published in literature in individuals affected with LHX3-related conditions nor reported to the clinical databases like Human Genome Mutation Database (HGMD), ClinVar or OMIM, in any affected individuals. In-silico pathogenicity prediction programs like SIFT, Polyphen-2, MutationTaster2, CADD, Franklin etc predicted this variant to be likely deleterious, however these predictions were not confirmed by published functional studies.

NM_178138.6(LHX3):c.482G>A (p.Arg161His)

Gene: LHX3 (LIM homeobox 3; minus strand). Cytogenetic location: 9q34.3.
Variant type: single nucleotide variant.
Coding change: c.482G>A on transcript NM_178138.6 (MANE Select); coding-DNA position 482, G replaced by A.
Protein change: p.Arg161His; replaces arginine 161 with histidine.
Molecular consequence: missense variant.
Genome position (GRCh38, 1-based): chr9:136,199,032, C>T on the plus strand (G>A on the coding strand, the complement: LHX3 is on the minus strand). VCF-style: chr9-136199032-C-T. GRCh37 (hg19) VCF-style: chr9-139090878-C-T.
Other names: c.449G>A, p.Arg150His (NM_001363746.1); c.497G>A, p.Arg166His (NM_014564.5); short protein forms R150H, R161H, R166H.
Identifiers: ClinVar variation 4057274 (VCV004057274.1).